The following is an entry in ClinVar:

NM_000264.5(PTCH1):c.281T>G (p.Ile94Ser)

Gene: PTCH1 (patched 1; minus strand). Cytogenetic location: 9q22.32.
Variant type: single nucleotide variant.
Coding change: c.281T>G on transcript NM_000264.5 (MANE Select); coding-DNA position 281, T replaced by G.
Protein change: p.Ile94Ser; replaces isoleucine 94 with serine.
Molecular consequence: missense variant. On other transcripts: 5 prime UTR variant (4), non-coding transcript variant (1).
Genome position (GRCh38, 1-based): chr9:95,506,520, A>C on the plus strand (T>G on the coding strand, the complement: PTCH1 is on the minus strand). VCF-style: chr9-95506520-A-C. GRCh37 (hg19) VCF-style: chr9-98268802-A-C.
Other names: c.83T>G, p.Ile28Ser (NM_001083602.3, NM_001354919.2); c.278T>G, p.Ile93Ser (NM_001083603.3); c.-173T>G (NM_001083604.3, NM_001083605.3, NM_001083606.3 and 1 more transcripts); c.281T>G, p.Ile94Ser (NM_001354918.2); short protein forms I93S, I94S, I28S.
Identifiers: ClinVar variation 821854 (VCV000821854.5), dbSNP rs1587693521, ClinGen allele CA374120366.
Genomic context (GRCh38, chr9:95,506,520, plus strand): 5'-ACCGCGAAGGCCCCAAATATGAGGAGGCCCACAACCAAGAACTTGCCGCAGTTTTTTTGA[A>C]TGTAACAACCCAGTTTAAATAAGAGTCTCTGAAACTTCGCTCTCAGCCACAGCGGCGCTT-3'
Protein context (NP_000255.2, residues 84-104): QRLLFKLGCY[Ile94Ser]QKNCGKFLVV

ClinVar aggregate classification (germline): Uncertain significance (1 of 4 stars; one submission).

Conditions:
Hereditary cancer-predisposing syndrome. Also called: Tumor predisposition; Neoplastic Syndromes, Hereditary; Hereditary neoplastic syndrome; Hereditary Cancer Syndrome. Identifiers: Orphanet 140162, MedGen C0027672, MeSH D009386, MONDO:0015356.

Submission:

Ambry Genetics
Classification: Uncertain significance for Hereditary cancer-predisposing syndrome. Last evaluated: 2026-05-07. Review status: criteria provided, single submitter. Criteria: Ambry Variant Classification Scheme 2023. Collection method: clinical testing. Allele origin: germline.
Comment: The p.I94S variant (also known as c.281T>G), located in coding exon 2 of the PTCH1 gene, results from a T to G substitution at nucleotide position 281. The isoleucine at codon 94 is replaced by serine, an amino acid with dissimilar properties. This amino acid position is highly conserved in available vertebrate species. In addition, this alteration is predicted to be deleterious by in silico analysis. Based on the available evidence, the clinical significance of this variant remains unclear.